The following is an entry in ClinVar:

NM_000458.4(HNF1B):c.911G>C (p.Arg304Thr)

Gene: HNF1B (HNF1 homeobox B; minus strand). Cytogenetic location: 17q12.
Variant type: single nucleotide variant.
Coding change: c.911G>C on transcript NM_000458.4 (MANE Select); coding-DNA position 911, G replaced by C.
Protein change: p.Arg304Thr; replaces arginine 304 with threonine.
Molecular consequence: missense variant.
Genome position (GRCh38, 1-based): chr17:37,731,729, C>G on the plus strand (G>C on the coding strand, the complement: HNF1B is on the minus strand). VCF-style: chr17-37731729-C-G. GRCh37 (hg19) VCF-style: chr17-36091720-C-G.
Other names: c.833G>C, p.Arg278Thr (NM_001165923.4, NM_001304286.2); c.911G>C, p.Arg304Thr (NM_001411100.1); short protein forms R278T, R304T.
Identifiers: ClinVar variation 4532218 (VCV004532218.1).

ClinVar aggregate classification (germline): Likely pathogenic (1 of 4 stars; one submission).

Conditions:
Renal cysts and diabetes syndrome (RCAD). Also called: MATURITY-ONSET DIABETES OF THE YOUNG, TYPE 5; Familial hypoplastic, glomerulocystic kidney. Identifiers: Orphanet 93111, MedGen C0431693, MONDO:0007669, OMIM 137920.

Submission:

MVZ Medizinische Genetik Mainz
Classification: Likely pathogenic for Renal cysts and diabetes syndrome. Last evaluated: 2025-10-31. Review status: criteria provided, single submitter. Criteria: UK Practice Guidelines For Variant Classification V4 01 2020. Collection method: clinical testing. Allele origin: germline. Inheritance: Autosomal dominant inheritance. Affected: yes. Observed: 1 variant allele.
Comment: ACMG Criteria: PM1,PP3_MOD,PM2_SUP,PM5_SUP,PP2